The following is an entry in ClinVar:

ClinVar aggregate classification (germline): Uncertain significance. Review status: criteria provided, multiple submitters, no conflicts (2 of 4 stars). 5 submissions from 5 submitters: Uncertain significance (4). 1 of the submissions does not count toward it. Last evaluated 2026-06-29.

Conditions:
Hereditary cancer-predisposing syndrome. Also called: Neoplastic Syndromes, Hereditary; Hereditary Cancer Syndrome; Tumor predisposition; Hereditary neoplastic syndrome. Identifiers: Orphanet 140162, MedGen C0027672, MeSH D009386, MONDO:0015356.
Microcephaly, normal intelligence and immunodeficiency (NBS). Also called: Immunodeficiency, microcephaly with normal intelligence; SEEMANOVA SYNDROME II; BERLIN BREAKAGE SYNDROME; IMMUNODEFICIENCY, MICROCEPHALY, AND CHROMOSOMAL INSTABILITY; Ataxia telangiectasia variant V1; Nijmegen breakage syndrome. Identifiers: Orphanet 647, MedGen C0398791, MONDO:0009623, OMIM 251260.

Allele frequency attached by ClinVar (database versions not stated): gnomAD exomes 0.00001 and 0.00002; ExAC 0.00003.
gnomAD v4.1: 20 of 1,614,124 alleles (0.0012%); highest among the groups gnomAD compares: South Asian, 0.019%; no homozygotes.

Submissions (5):

Myriad Genetics, Inc.
Classification: Uncertain significance for Microcephaly, normal intelligence and immunodeficiency. Last evaluated: 2026-06-29. Review status: criteria provided, single submitter. Criteria: Myriad Autosomal Dominant, Autosomal Recessive and X-Linked Classification Criteria (2023). Collection method: clinical testing. Allele origin: unknown.
Comment: NM_002485.4(NBN):c.251A>G(Q84R) is a missense variant classified as a variant of uncertain significance in the context of Nijmegen breakage syndrome. Q84R has not been observed in cases with relevant disease. Relevant functional assessments of this variant are not available in the literature. Q84R has been observed in referenced population frequency databases. In summary, there is insufficient evidence to classify NM_002485.4(NBN):c.251A>G(Q84R) as pathogenic or benign. Please note: this variant was assessed in the context of healthy population screening.

Ambry Genetics
Classification: Uncertain significance for Hereditary cancer-predisposing syndrome. Last evaluated: 2024-03-06. Review status: criteria provided, single submitter. Criteria: Ambry Variant Classification Scheme 2023. Collection method: clinical testing. Allele origin: germline.
Comment: The p.Q84R variant (also known as c.251A>G), located in coding exon 3 of the NBN gene, results from an A to G substitution at nucleotide position 251. The glutamine at codon 84 is replaced by arginine, an amino acid with highly similar properties. This amino acid position is not well conserved in available vertebrate species. In addition, this alteration is predicted to be tolerated by in silico analysis. Since supporting evidence is limited at this time, the clinical significance of this alteration remains unclear.

Labcorp Genetics (formerly Invitae), Labcorp
Classification: Uncertain significance for Microcephaly, normal intelligence and immunodeficiency. Last evaluated: 2022-05-31. Review status: criteria provided, single submitter. Criteria: Invitae Variant Classification Sherloc (09022015). Collection method: clinical testing. Allele origin: germline.
Comment: This sequence change replaces glutamine, which is neutral and polar, with arginine, which is basic and polar, at codon 84 of the NBN protein (p.Gln84Arg). This variant is present in population databases (rs762702597, gnomAD 0.02%). This variant has not been reported in the literature in individuals affected with NBN-related conditions. ClinVar contains an entry for this variant (Variation ID: 490055). Algorithms developed to predict the effect of missense changes on protein structure and function output the following: SIFT: "Tolerated"; PolyPhen-2: "Benign"; Align-GVGD: "Class C0". The arginine amino acid residue is found in multiple mammalian species, which suggests that this missense change does not adversely affect protein function. In summary, the available evidence is currently insufficient to determine the role of this variant in disease. Therefore, it has been classified as a Variant of Uncertain Significance.

Genome-Nilou Lab
Classification: Uncertain significance for Microcephaly, normal intelligence and immunodeficiency. Last evaluated: 2021-11-07. Review status: criteria provided, single submitter. Criteria: ACMG Guidelines, 2015. Collection method: clinical testing. Allele origin: germline. Affected: no.

Natera, Inc.
Classification: Uncertain significance for Nijmegen breakage syndrome. Last evaluated: 2019-11-11. Review status: no assertion criteria provided. Collection method: clinical testing. Allele origin: germline. Not counted in ClinVar's aggregate classification.

NM_002485.5(NBN):c.251A>G (p.Gln84Arg)

Gene: NBN (nibrin; minus strand). Cytogenetic location: 8q21.3.
Variant type: single nucleotide variant.
Coding change: c.251A>G on transcript NM_002485.5 (MANE Select); coding-DNA position 251, A replaced by G.
Protein change: p.Gln84Arg; replaces glutamine 84 with arginine.
Molecular consequence: missense variant.
Genome position (GRCh38, 1-based): chr8:89,981,444, T>C on the plus strand (A>G on the coding strand, the complement: NBN is on the minus strand). VCF-style: chr8-89981444-T-C. GRCh37 (hg19) VCF-style: chr8-90993672-T-C.
Other names: c.5A>G, p.Gln2Arg (NM_001024688.3); short protein forms Q84R, Q2R.
Identifiers: ClinVar variation 490055 (VCV000490055.20), dbSNP rs762702597, ClinGen allele CA4803015.